The following continues an entry in ClinVar:

NM_002834.5(PTPN11):c.166A>G (p.Ile56Val)

Gene: PTPN11. ClinVar aggregate classification (germline): Pathogenic. Pathogenic (1).

Submissions 9 to 14 of 14:

Genetics and Molecular Pathology, SA Pathology
Classification: Pathogenic for Noonan syndrome 1. Last evaluated: 2021-11-15. Review status: criteria provided, single submitter. Criteria: ACMG Guidelines, 2015. Collection method: clinical testing. Allele origin: germline. Inheritance: Autosomal dominant inheritance. Affected: yes. Not counted in ClinVar's aggregate classification.
Comment: The PTPN11 c.166A>G variant is a single nucleotide change in exon 3/16 of the PTPN11 gene, which is predicted to change the amino acid isoleucine at position 56 in the protein to valine. This variant is absent from population databases (PM2), but has been reported at least 4 times in the literature in patients with a clinical presentation of Noonan syndrome or RASopathy (PS4_Moderate). A different pathogenic missense change, p.Ile56Thr, has been reported before at the same amino acid position (PM5). This variant has been identified as a de novo variant in at least two affected patients with no family history of this condition (Li et al, 2020 PMID: 32410215; Brunet et al, 2021 PMID 33619735) (PS2). The variant has been reported as Pathogenic by other diagnostic laboratories (ClinVar Variation ID: 40485). The variant has been reported in the HGMD database: CM161482. Computational predictions support a deleterious effect on the gene or gene product (PP3).

Genomic Medicine Lab, University of California San Francisco
Classification: Likely pathogenic for Noonan syndrome 1. Last evaluated: 2020-03-26. Review status: criteria provided, single submitter. Criteria: ACMG Guidelines, 2015. Collection method: clinical testing. Allele origin: maternal. Inheritance: Autosomal dominant inheritance. Affected: yes. Study: CSER-P3EGS. Not counted in ClinVar's aggregate classification.

Women's Health and Genetics/Laboratory Corporation of America, LabCorp
Classification: Pathogenic for Rasopathy. Last evaluated: 2019-11-19. Review status: criteria provided, single submitter. Criteria: LabCorp Variant Classification Summary - May 2015. Collection method: clinical testing. Allele origin: germline. Not counted in ClinVar's aggregate classification.
Comment: Variant Summary: PTPN11 c.166A>G (p.Ile56Val) results in a conservative amino acid change located in the SH2 domain (IPR000980) of the encoded protein sequence. Three of five in-silico tools predict a damaging effect of the variant on protein function. The variant was absent in 251170 control chromosomes (gnomAD). The variant, c.166A>G, has been reported in the literature and by clinical laboratories in multiple individuals affected with features of Noonan Syndrome and Related Conditions (Smith_2009, Atik_2016, Leach_2018, ClinVar database). Additionally, one reportedly de novo occurrence was observed by a clinical laboratory (ClinVar database). These data indicate that the variant is very likely to be associated with disease. Several mutations in neighboring codons (N58K, N58H, and N58D) have been published in association with Noonan Syndrome, emphasizing the functional importance of this residue and/or SH2 region. To our knowledge, no experimental evidence demonstrating an impact on protein function has been reported. Five ClinVar submitters including ClinGen RASopathy Variant Curation Expert Panel (evaluation after 2014) cite the variant as likely pathogenic (3x) and pathogenic (2x). Based on the evidence outlined above, the variant was re-classified as pathogenic.

Institute of Human Genetics Munich, TUM University Hospital
Classification: Likely pathogenic for Noonan syndrome 1. Last evaluated: 2018-06-06. Review status: criteria provided, single submitter. Criteria: Classification criteria August 2017. Collection method: clinical testing. Allele origin: de novo. Inheritance: Autosomal dominant inheritance. Affected: yes. Observed: 1 heterozygote. Not counted in ClinVar's aggregate classification.

Laboratory for Molecular Medicine, Mass General Brigham Personalized Medicine
Classification: Likely pathogenic for Noonan syndrome. Last evaluated: 2018-02-27. Review status: criteria provided, single submitter. Criteria: LMM Criteria. Collection method: clinical testing. Allele origin: germline. Inheritance: Autosomal dominant inheritance. Observed: 2 variant alleles. Not counted in ClinVar's aggregate classification.
Comment: proposed classification - variant undergoing re-assessment, contact laboratory

PreventionGenetics, part of Exact Sciences
Classification: Pathogenic for PTPN11-related condition. Last evaluated: 2023-12-07. Review status: no assertion criteria provided. Collection method: clinical testing. Allele origin: germline. Not counted in ClinVar's aggregate classification.
Comment: The PTPN11 c.166A>G variant is predicted to result in the amino acid substitution p.Ile56Val. This variant has been reported in multiple individuals with Noonan syndrome and in some of these cases was determined to have arisen de novo (Atik et al. 2016. PubMed ID: 26817465; Li et al. 2020. PubMed ID: 32410215; Brunet et al. 2021. PubMed ID: 33619735; Table S3 in Leach et al. 2019. PubMed ID: 29907801). This variant has not been reported in a large population database, indicating this variant is rare. This variant has been classified as pathogenic by an expert panel on the ClinVar database. This variant is interpreted as pathogenic.

Literature cited by the submitters: PubMed 26817465 (cited by 7 submitters); PubMed 19506109 (cited by ClinGen RASopathy Variant Curation Expert Panel and Women's Health and Genetics/Laboratory Corporation of America, LabCorp); PubMed 32410215 (cited by 3 submitters); PubMed 33619735 (cited by 3 submitters); PubMed 36349709 (cited by Variantyx, Inc.); PubMed 29907801 (cited by Ambry Genetics and Women's Health and Genetics/Laboratory Corporation of America, LabCorp); PubMed 30417923 (cited by Ambry Genetics); PubMed 38862387 (cited by Ambry Genetics); PubMed 21248739 (cited by Laboratory for Molecular Medicine, Mass General Brigham Personalized Medicine).